The following is an entry in ClinVar:

NM_015215.4(CAMTA1):c.3143G>A (p.Arg1048Gln)

Gene: CAMTA1 (calmodulin binding transcription activator 1; plus strand). Cytogenetic location: 1p36.23.
Variant type: single nucleotide variant.
Coding change: c.3143G>A on transcript NM_015215.4 (MANE Select); coding-DNA position 3143, G replaced by A.
Protein change: p.Arg1048Gln; replaces arginine 1048 with glutamine.
Molecular consequence: missense variant.
Genome position (GRCh38, 1-based): chr1:7,736,420, G>A. VCF-style: chr1-7736420-G-A. GRCh37 (hg19) VCF-style: chr1-7796480-G-A.
Other names: c.215G>A, p.Arg72Gln (NM_001349614.1, NM_001349615.2, NM_001349616.2 and 10 more transcripts); c.3053G>A, p.Arg1018Gln (NM_001349608.2, NM_001349612.2); c.3143G>A, p.Arg1048Gln (NM_001349609.2, NM_001349610.2, NM_001410737.1); c.272G>A, p.Arg91Gln (NM_001349613.1); c.3071G>A, p.Arg1024Gln (NM_001410738.1); short protein forms R1024Q, R1048Q, R72Q, R91Q, R1018Q.
Identifiers: ClinVar variation 4780939 (VCV004780939.1).

ClinVar aggregate classification (germline): Uncertain significance (1 of 4 stars; one submission).

gnomAD v4.1: 11 of 1,613,898 alleles (0.00068%); highest among the groups gnomAD compares: Middle Eastern, 0.016%; no homozygotes.

Submission:

Labcorp Genetics (formerly Invitae), Labcorp
Classification: Uncertain significance. Last evaluated: 2025-03-22. Review status: criteria provided, single submitter. Criteria: Invitae Variant Classification Sherloc (09022015). Collection method: clinical testing. Allele origin: germline.
Comment: This sequence change replaces arginine, which is basic and polar, with glutamine, which is neutral and polar, at codon 1048 of the CAMTA1 protein (p.Arg1048Gln). This variant is present in population databases (rs747988937, gnomAD 0.006%). This variant has not been reported in the literature in individuals affected with CAMTA1-related conditions. Invitae Evidence Modeling of protein sequence and biophysical properties (such as structural, functional, and spatial information, amino acid conservation, physicochemical variation, residue mobility, and thermodynamic stability) indicates that this missense variant is not expected to disrupt CAMTA1 protein function with a negative predictive value of 80%. In summary, the available evidence is currently insufficient to determine the role of this variant in disease. Therefore, it has been classified as a Variant of Uncertain Significance.